The following is an entry in ClinVar:

NM_201253.3(CRB1):c.2130G>A (p.Glu710=)

Gene: CRB1 (crumbs cell polarity complex component 1; plus strand). Cytogenetic location: 1q31.3.
Variant type: single nucleotide variant.
Coding change: c.2130G>A on transcript NM_201253.3 (MANE Select); coding-DNA position 2130, G replaced by A.
Protein change: p.Glu710=; no amino-acid change (glutamic acid 710 retained).
Molecular consequence: synonymous variant. On other transcripts: non-coding transcript variant (2), intron variant (1).
Genome position (GRCh38, 1-based): chr1:197,427,455, G>A. VCF-style: chr1-197427455-G-A. GRCh37 (hg19) VCF-style: chr1-197396585-G-A.
Other names: c.1794G>A, p.Glu598= (NM_001193640.2); c.1923G>A, p.Glu641= (NM_001257965.2); c.2128+5499G>A (NM_001257966.2); c.2130G>A (NM_201253.2).
Identifiers: ClinVar variation 2924993 (VCV002924993.4), dbSNP rs1373273006, ClinGen allele CA422808289.

ClinVar aggregate classification (germline): Likely benign. Review status: criteria provided, multiple submitters, no conflicts (2 of 4 stars). 2 submissions from 2 submitters: Likely benign (2). Last evaluated 2025-09-06.

Conditions:
CRB1-related disorder. Also called: CRB1-related condition; CRB1-related disorders.
Leber congenital amaurosis 8 (LCA8). Identifiers: Orphanet 65, MedGen C3151202, MONDO:0013453, OMIM 613835.
Retinitis pigmentosa 12 (RP12). Also called: RP WITH OR WITHOUT PRESERVED PARAARTERIOLE RETINAL PIGMENT EPITHELIUM; RETINITIS PIGMENTOSA WITH OR WITHOUT PARAARTERIOLAR PRESERVATION OF RETINAL PIGMENT EPITHELIUM; RP WITH OR WITHOUT PPRPE. Identifiers: Orphanet 791, MedGen C1838647, MONDO:0010818, OMIM 600105.

Submissions (2):

PreventionGenetics, part of Exact Sciences
Classification: Likely benign for CRB1-related condition. Last evaluated: 2025-09-06. Review status: criteria provided, single submitter. Criteria: ACMG Guidelines, 2015. Collection method: clinical testing. Allele origin: germline.
Comment: This variant is classified as likely benign based on ACMG/AMP sequence variant interpretation guidelines (Richards et al. 2015 PMID: 25741868, with internal and published modifications).

Labcorp Genetics (formerly Invitae), Labcorp
Classification: Likely benign for Leber congenital amaurosis 8; Retinitis pigmentosa 12. Last evaluated: 2023-10-10. Review status: criteria provided, single submitter. Criteria: Invitae Variant Classification Sherloc (09022015). Collection method: clinical testing. Allele origin: germline.